The following is an entry in ClinVar:

NM_000138.5(FBN1):c.2008T>C (p.Cys670Arg)

Gene: FBN1 (fibrillin 1; minus strand). Cytogenetic location: 15q21.1.
Variant type: single nucleotide variant.
Coding change: c.2008T>C on transcript NM_000138.5 (MANE Select); coding-DNA position 2008, T replaced by C.
Protein change: p.Cys670Arg; replaces cysteine 670 with arginine.
Molecular consequence: missense variant.
Genome position (GRCh38, 1-based): chr15:48,503,892, A>G on the plus strand (T>C on the coding strand, the complement: FBN1 is on the minus strand). VCF-style: chr15-48503892-A-G. GRCh37 (hg19) VCF-style: chr15-48796089-A-G.
Other names: c.2008T>C, p.Cys670Arg (NM_001406716.1); short protein forms C670R.
Identifiers: ClinVar variation 4792148 (VCV004792148.1).

ClinVar aggregate classification (germline): Uncertain significance (1 of 4 stars; one submission).

Conditions:
Marfan syndrome (MFS). Also called: FBN1-Related Marfan Syndrome; MARFAN SYNDROME, TYPE I; Marfan syndrome type 1; Marfan's syndrome; Marfan syndrome, classic. Identifiers: Orphanet 284963, Orphanet 558, MedGen C0024796, MONDO:0007947, OMIM 154700.
Familial thoracic aortic aneurysm and aortic dissection (TAAD). Also called: Thoracic aortic aneurysms and dissections. Identifiers: Orphanet 91387, MedGen C4707243, MONDO:0019625.

gnomAD v4.1: 2 of 1,614,208 alleles (0.00012%); highest among the groups gnomAD compares: Non-Finnish European, 0.00017%; no homozygotes.

Submission:

Labcorp Genetics (formerly Invitae), Labcorp
Classification: Uncertain significance for Marfan syndrome; Familial thoracic aortic aneurysm and aortic dissection. Last evaluated: 2025-12-26. Review status: criteria provided, single submitter. Criteria: Invitae Variant Classification Sherloc (09022015). Collection method: clinical testing. Allele origin: germline.
Comment: This sequence change replaces cysteine, which is neutral and slightly polar, with arginine, which is basic and polar, at codon 670 of the FBN1 protein (p.Cys670Arg). This variant is not present in population databases (gnomAD no frequency). This variant has not been reported in the literature in individuals affected with FBN1-related conditions. Invitae Evidence Modeling of protein sequence and biophysical properties (such as structural, functional, and spatial information, amino acid conservation, physicochemical variation, residue mobility, and thermodynamic stability) indicates that this missense variant is expected to disrupt FBN1 protein function with a positive predictive value of 95%. In summary, the available evidence is currently insufficient to determine the role of this variant in disease. Therefore, it has been classified as a Variant of Uncertain Significance.